The following is an entry in ClinVar:

ClinVar aggregate classification (germline): Likely benign. Review status: criteria provided, single submitter (1 of 4 stars). 2 submissions from 2 submitters: Likely benign (1). 1 of the submissions does not count toward it. Last evaluated 2025-12-01.

Conditions:
DCTN1-related disorder. Also called: DCTN1-related condition.
Amyotrophic lateral sclerosis type 1 (ALS1). Also called: AMYOTROPHIC LATERAL SCLEROSIS 1, FAMILIAL. Identifiers: Orphanet 803, MedGen C1862939, MONDO:0007103, OMIM 105400.
Neuronopathy, distal hereditary motor, type 7B. Also called: NEURONOPATHY, DISTAL HEREDITARY MOTOR, AUTOSOMAL DOMINANT 14; NEURONOPATHY, DISTAL HEREDITARY MOTOR, HARDING TYPE VIIB; NEUROPATHY, DISTAL HEREDITARY MOTOR, HARDING TYPE VIIB; NEUROPATHY, DISTAL HEREDITARY MOTOR, WITH VOCAL CORD PARALYSIS, HARDING TYPE VIIB; Distal Hereditary Motor Neuronopathy Type 7B (dHMN7B); HMN VIIB. Identifiers: Orphanet 139589, MedGen C1843315, MONDO:0011879, OMIM 607641.
Perry syndrome. Also called: PARKINSONISM WITH ALVEOLAR HYPOVENTILATION AND MENTAL DEPRESSION. Identifiers: Orphanet 178509, MedGen C1868594, MONDO:0008201, OMIM 168605.

Allele frequency attached by ClinVar (database versions not stated): gnomAD 0.00001; gnomAD exomes 0.00001 and 0.00003; ExAC 0.00002; TOPMed 0.00002.
gnomAD v4.1: 18 of 1,614,064 alleles (0.0011%); highest among the groups gnomAD compares: Middle Eastern, 0.016%; no homozygotes.

Submissions (2):

Labcorp Genetics (formerly Invitae), Labcorp
Classification: Likely benign for Amyotrophic lateral sclerosis type 1; Neuronopathy, distal hereditary motor, type 7B; Perry syndrome. Last evaluated: 2025-12-01. Review status: criteria provided, single submitter. Criteria: Invitae Variant Classification Sherloc (09022015). Collection method: clinical testing. Allele origin: germline.

PreventionGenetics, part of Exact Sciences
Classification: Likely benign for DCTN1-related condition. Last evaluated: 2023-05-16. Review status: no assertion criteria provided. Collection method: clinical testing. Allele origin: germline. Not counted in ClinVar's aggregate classification.
Comment: This variant is classified as likely benign based on ACMG/AMP sequence variant interpretation guidelines (Richards et al. 2015 PMID: 25741868, with internal and published modifications).

NM_004082.5(DCTN1):c.702G>T (p.Leu234=)

Gene: DCTN1 (dynactin subunit 1; minus strand). Cytogenetic location: 2p13.1.
Variant type: single nucleotide variant.
Coding change: c.702G>T on transcript NM_004082.5 (MANE Select); coding-DNA position 702, G replaced by T.
Protein change: p.Leu234=; no amino-acid change (leucine 234 retained).
Molecular consequence: synonymous variant. On other transcripts: non-coding transcript variant (1).
Genome position (GRCh38, 1-based): chr2:74,371,120, C>A on the plus strand (G>T on the coding strand, the complement: DCTN1 is on the minus strand). VCF-style: chr2-74371120-C-A. GRCh37 (hg19) VCF-style: chr2-74598247-C-A.
Other names: c.642G>T, p.Leu214= (NM_001135040.3); c.300G>T, p.Leu100= (NM_001135041.3, NM_023019.4); c.591G>T, p.Leu197= (NM_001190836.2); c.681G>T, p.Leu227= (NM_001190837.2); c.651G>T, p.Leu217= (NM_001378991.1); c.633G>T, p.Leu211= (NM_001378992.1).
Identifiers: ClinVar variation 748975 (VCV000748975.12), dbSNP rs758500443, ClinGen allele CA1722334.